The following is an entry in ClinVar:

NM_000455.5(STK11):c.8T>G (p.Val3Gly)

Gene: STK11 (serine/threonine kinase 11; plus strand). Cytogenetic location: 19p13.3.
Variant type: single nucleotide variant.
Coding change: c.8T>G on transcript NM_000455.5 (MANE Select); coding-DNA position 8, T replaced by G.
Protein change: p.Val3Gly; replaces valine 3 with glycine.
Molecular consequence: missense variant.
Genome position (GRCh38, 1-based): chr19:1,206,921, T>G. VCF-style: chr19-1206921-T-G. GRCh37 (hg19) VCF-style: chr19-1206920-T-G.
Other names: short protein forms V3G.
Identifiers: ClinVar variation 328229 (VCV000328229.11), dbSNP rs886054216, ClinGen allele CA10652247.

ClinVar aggregate classification (germline): Uncertain significance. Review status: criteria provided, multiple submitters, no conflicts (2 of 4 stars). 2 submissions from 2 submitters: Uncertain significance (2). Last evaluated 2021-07-15.

Conditions:
Hereditary cancer-predisposing syndrome. Also called: Neoplastic Syndromes, Hereditary; Hereditary Cancer Syndrome; Hereditary neoplastic syndrome; Tumor predisposition. Identifiers: Orphanet 140162, MedGen C0027672, MeSH D009386, MONDO:0015356.
Peutz-Jeghers syndrome (PJS). Also called: POLYPOSIS, HAMARTOMATOUS INTESTINAL; POLYPS-AND-SPOTS SYNDROME; Peutz-Jeghers polyposis; Periorificial lentiginosis syndrome. Identifiers: Orphanet 2869, MedGen C0031269, MeSH D010580, MONDO:0008280, OMIM 175200.

Submissions (2):

Genome-Nilou Lab
Classification: Uncertain significance for Peutz-Jeghers syndrome. Last evaluated: 2021-07-15. Review status: criteria provided, single submitter. Criteria: ACMG Guidelines, 2015. Collection method: clinical testing. Allele origin: germline. Affected: no.

Ambry Genetics
Classification: Uncertain significance for Hereditary cancer-predisposing syndrome. Last evaluated: 2016-11-09. Review status: criteria provided, single submitter. Criteria: Ambry Variant Classification Scheme 2023. Collection method: clinical testing. Allele origin: germline.
Comment: The p.V3G variant (also known as c.8T>G), located in coding exon 1 of the STK11 gene, results from a T to G substitution at nucleotide position 8. The valine at codon 3 is replaced by glycine, an amino acid with dissimilar properties. This variant was not reported in population based cohorts in the following databases: Database of Single Nucleotide Polymorphisms (dbSNP), NHLBI Exome Sequencing Project (ESP), and 1000 Genomes Project. In the ESP, this variant was not observed in 6143 samples (12286 alleles) with coverage at this position. To date, this alteration has been detected with an allele frequency of approximately 0.001% (greater than 125000 alleles tested) in our clinical cohort. This amino acid position is not well conserved in available vertebrate species. In addition, this alteration is predicted to be tolerated by in silico analysis. Since supporting evidence is limited at this time, the clinical significance of this alteration remains unclear.